The following is an entry in ClinVar:

NM_021620.4(PRDM13):c.2095G>T (p.Val699Phe)

Gene: PRDM13 (PR/SET domain 13; plus strand). Cytogenetic location: 6q16.2.
Variant type: single nucleotide variant.
Coding change: c.2095G>T on transcript NM_021620.4 (MANE Select); coding-DNA position 2095, G replaced by T.
Protein change: p.Val699Phe; replaces valine 699 with phenylalanine.
Molecular consequence: missense variant.
Genome position (GRCh38, 1-based): chr6:99,614,730, G>T. VCF-style: chr6-99614730-G-T. GRCh37 (hg19) VCF-style: chr6-100062606-G-T.
Other names: c.2095G>T (NM_021620.3); short protein forms V699F.
Identifiers: ClinVar variation 1418026 (VCV001418026.7), dbSNP rs543525191, ClinGen allele CA3936505.

ClinVar aggregate classification (germline): Uncertain significance. Review status: criteria provided, multiple submitters, no conflicts (2 of 4 stars). 2 submissions from 2 submitters: Uncertain significance (2). Last evaluated 2023-11-17.

Conditions:
Inborn genetic diseases. Identifiers: MedGen C0950123, MeSH D030342.

Allele frequency attached by ClinVar (database versions not stated): gnomAD 0.00001 and 0.00003; gnomAD exomes 0.00002 and 0.00005; TOPMed 0.00004; ExAC 0.00009; 1000 Genomes Project 0.00040; 1000 Genomes Project 30x 0.00047.

Submissions (2):

Ambry Genetics
Classification: Uncertain significance for Inborn genetic diseases. Last evaluated: 2023-11-17. Review status: criteria provided, single submitter. Criteria: Ambry Variant Classification Scheme 2023. Collection method: clinical testing. Allele origin: germline.

Labcorp Genetics (formerly Invitae), Labcorp
Classification: Uncertain significance. Last evaluated: 2021-08-28. Review status: criteria provided, single submitter. Criteria: Invitae Variant Classification Sherloc (09022015). Collection method: clinical testing. Allele origin: germline.
Comment: This sequence change replaces valine with phenylalanine at codon 699 of the PRDM13 protein (p.Val699Phe). The valine residue is weakly conserved and there is a small physicochemical difference between valine and phenylalanine. In summary, the available evidence is currently insufficient to determine the role of this variant in disease. Therefore, it has been classified as a Variant of Uncertain Significance. Algorithms developed to predict the effect of missense changes on protein structure and function are either unavailable or do not agree on the potential impact of this missense change (SIFT: "Deleterious"; PolyPhen-2: "Benign"; Align-GVGD: "Class C0"). This variant has not been reported in the literature in individuals affected with PRDM13-related conditions. This variant is present in population databases (rs543525191, ExAC 0.1%), and has an allele count higher than expected for a pathogenic variant (PMID: 28166811).

Literature cited by the submitters: PubMed 28166811 (cited by Labcorp Genetics (formerly Invitae), Labcorp).